The following is an entry in ClinVar:

NM_006279.5(ST3GAL3):c.473G>A (p.Arg158His)

Gene: ST3GAL3 (ST3 beta-galactoside alpha-2,3-sialyltransferase 3; plus strand). Cytogenetic location: 1p34.1.
Variant type: single nucleotide variant.
Coding change: c.473G>A on transcript NM_006279.5 (MANE Select); coding-DNA position 473, G replaced by A.
Protein change: p.Arg158His; replaces arginine 158 with histidine.
Molecular consequence: missense variant. On other transcripts: non-coding transcript variant (7), intron variant (4).
Genome position (GRCh38, 1-based): chr1:43,899,179, G>A. VCF-style: chr1-43899179-G-A. GRCh37 (hg19) VCF-style: chr1-44364851-G-A.
Other names: c.473G>A, p.Arg158His (NM_001270459.2, NM_001350620.2, NM_174966.4); c.380G>A, p.Arg127His (NM_001270460.2); c.425G>A, p.Arg142His (NM_001270461.3, NM_001270464.3, NM_174969.4); c.332G>A, p.Arg111His (NM_001270462.3); c.470G>A, p.Arg157His (NM_001270463.3, NM_001270465.3); c.518G>A, p.Arg173His (NM_001350619.2, NM_174964.4); c.194G>A, p.Arg65His (NM_001350621.2); c.635G>A, p.Arg212His (NM_001363573.2, NM_174968.5); and 6 more; short protein forms R111H, R127H, R196H, R212H, R142H, R173H, R227H, R157H.
Identifiers: ClinVar variation 1497222 (VCV001497222.6), dbSNP rs775719562, ClinGen allele CA814718.
Genomic context (GRCh38, chr1:43,899,179, plus strand): 5'-ACCTGGTGGGCAGCTCTCTGTACAGAGGTCTCCGCCTCTCTCCCCTCAGCCTCCGCTGCC[G>A]CCGCTGCATCATCGTGGGCAATGGAGGCGTTCTTGCCAACAAGTCTCTGGGGTCACGAAT-3'
Protein context (NP_006270.1, residues 148-168): LTPALDSLRC[Arg158His]RCIIVGNGGV

ClinVar aggregate classification (germline): Uncertain significance (1 of 4 stars; one submission).

Conditions:
Developmental and epileptic encephalopathy. Identifiers: MedGen C5779964, MONDO:0100620.

Allele frequency attached by ClinVar (database versions not stated): gnomAD exomes below 0.00001 and 0.00002; ExAC 0.00002; gnomAD 0.00002 and 0.00003; TOPMed 0.00002.
gnomAD v4.1: 27 of 1,614,056 alleles (0.0017%); highest among the groups gnomAD compares: Non-Finnish European, 0.002%; no homozygotes.

Submission:

Labcorp Genetics (formerly Invitae), Labcorp
Classification: Uncertain significance for Early-infantile DEE. Last evaluated: 2022-08-09. Review status: criteria provided, single submitter. Criteria: Invitae Variant Classification Sherloc (09022015). Collection method: clinical testing. Allele origin: germline.
Comment: This sequence change replaces arginine, which is basic and polar, with histidine, which is basic and polar, at codon 158 of the ST3GAL3 protein (p.Arg158His). This variant is present in population databases (rs775719562, gnomAD 0.0009%). This variant has not been reported in the literature in individuals affected with ST3GAL3-related conditions. ClinVar contains an entry for this variant (Variation ID: 1497222). Algorithms developed to predict the effect of missense changes on protein structure and function are either unavailable or do not agree on the potential impact of this missense change (SIFT: "Deleterious"; PolyPhen-2: "Probably Damaging"; Align-GVGD: "Class C0"). In summary, the available evidence is currently insufficient to determine the role of this variant in disease. Therefore, it has been classified as a Variant of Uncertain Significance.